The following is an entry in ClinVar:

ClinVar aggregate classification (germline): Conflicting classifications of pathogenicity. Review status: criteria provided, conflicting classifications (1 of 4 stars). 7 submissions from 7 submitters: Uncertain significance (2); Likely benign (5). Last evaluated 2025-12-29.

Conditions:
Upshaw-Schulman syndrome (TTP). Also called: Congenital thrombotic thrombocytopenic purpura; THROMBOTIC THROMBOCYTOPENIC PURPURA, HEREDITARY. Identifiers: Orphanet 93583, MedGen C1268935, MONDO:0010122, OMIM 274150.
ADAMTS13-related disorder. Also called: ADAMTS13-related condition.

Allele frequency attached by ClinVar (database versions not stated): gnomAD exomes 0.00024; ExAC 0.00045; gnomAD 0.00076 and 0.00078; TOPMed 0.00107; ESP Exome Variant Server 0.00146; 1000 Genomes Project 0.00160; 1000 Genomes Project 30x 0.00172.
gnomAD v4.1: 212 of 1,603,652 alleles (0.013%); highest among the groups gnomAD compares: African/African-American, 0.19%; 1 homozygote.

Submissions (7):

Labcorp Genetics (formerly Invitae), Labcorp
Classification: Likely benign. Last evaluated: 2025-12-29. Review status: criteria provided, single submitter. Criteria: Invitae Variant Classification Sherloc (09022015). Collection method: clinical testing. Allele origin: germline.

Women's Health and Genetics/Laboratory Corporation of America, LabCorp
Classification: Likely benign. Last evaluated: 2025-06-19. Review status: criteria provided, single submitter. Criteria: LabCorp Variant Classification Summary - May 2015. Collection method: clinical testing. Allele origin: germline.
Comment: Variant summary: ADAMTS13 c.3826G>A (p.Gly1276Arg) results in a non-conservative amino acid change in the encoded protein sequence. Algorithms developed to predict the effect of missense changes on protein structure and function are either unavailable or do not agree on the potential impact of this missense change. The variant allele was found at a frequency of 0.00024 in 229922 control chromosomes, predominantly at a frequency of 0.0029 within the African or African-American subpopulation in the gnomAD database. The observed variant frequency within African or African-American control individuals in the gnomAD database exceeds the estimated maximal expected allele frequency for a pathogenic variant in ADAMTS13 causing Thrombotic Thrombocytopenic Purpura phenotype. To our knowledge, no occurrence of c.3826G>A in individuals affected with Thrombotic Thrombocytopenic Purpura and no experimental evidence demonstrating its impact on protein function have been reported. ClinVar contains an entry for this variant (Variation ID: 365567). Based on the evidence outlined above, the variant was classified as likely benign.

Mayo Clinic Laboratories, Mayo Clinic
Classification: Likely benign. Last evaluated: 2025-06-15. Review status: criteria provided, single submitter. Criteria: ACMG Guidelines, 2015. Collection method: clinical testing. Allele origin: germline. Observed: 3 variant alleles.
Comment: BS1, BP4

PreventionGenetics, part of Exact Sciences
Classification: Likely benign for ADAMTS13-related condition. Last evaluated: 2025-06-04. Review status: criteria provided, single submitter. Criteria: ACMG Guidelines, 2015. Collection method: clinical testing. Allele origin: germline.
Comment: This variant is classified as likely benign based on ACMG/AMP sequence variant interpretation guidelines (Richards et al. 2015 PMID: 25741868, with internal and published modifications).

Blueprint Genetics
Classification: Likely benign. Last evaluated: 2023-11-17. Review status: criteria provided, single submitter. Criteria: ACMG Guidelines, 2015. Collection method: clinical testing. Allele origin: germline.

GeneDx
Classification: Uncertain significance. Last evaluated: 2018-05-24. Review status: criteria provided, single submitter. Criteria: GeneDx Variant Classification (06012015). Collection method: clinical testing. Allele origin: germline. Affected: yes.
Comment: The G1276R variant in the ADAMTS13 gene has not been reported previously as a pathogenic variant, nor as a benign variant, to our knowledge. The G1276R variant is observed in 59/22,158 (0.3%) alleles from individuals of African background in large population cohorts, and no individuals were reported to be homozygous (Lek et al., 2016). The G1276R variant is a non-conservative amino acid substitution, which is likely to impact secondary protein structure as these residues differ in polarity, charge, size and/or other properties. In-silico analyses, including protein predictors and evolutionary conservation, support that this variant does not alter protein structure/function. We interpret G1276R as a variant of uncertain significance.

Illumina Laboratory Services, Illumina
Classification: Uncertain significance for Upshaw-Schulman syndrome. Last evaluated: 2018-01-12. Review status: criteria provided, single submitter. Criteria: ICSL Variant Classification Criteria 13 December 2019. Collection method: clinical testing. Allele origin: germline.

Literature cited by the submitters: PubMed 35746657 (cited by Mayo Clinic Laboratories, Mayo Clinic).

NM_139027.6(ADAMTS13):c.3658G>A (p.Gly1220Arg)

Gene: ADAMTS13 (ADAM metallopeptidase with thrombospondin type 1 motif 13; plus strand). Cytogenetic location: 9q34.2.
Variant type: single nucleotide variant.
Coding change: c.3658G>A on transcript NM_139027.6 (MANE Select); coding-DNA position 3658, G replaced by A.
Protein change: p.Gly1220Arg; replaces glycine 1220 with arginine.
Molecular consequence: missense variant. On other transcripts: non-coding transcript variant (1).
Genome position (GRCh38, 1-based): chr9:133,456,653, G>A. VCF-style: chr9-133456653-G-A. GRCh37 (hg19) VCF-style: chr9-136321775-G-A.
Other names: p.Gly1276Arg; c.3826G>A, p.Gly1276Arg (NM_139025.5); c.3565G>A, p.Gly1189Arg (NM_139026.6); short protein forms G1276R, G1189R, G1220R.
Identifiers: ClinVar variation 365567 (VCV000365567.18), dbSNP rs144808448, ClinGen allele CA10629432.
Genomic context (GRCh38, chr9:133,456,653, plus strand): 5'-AAGCTGTTGGACATGACTTTCAGCTCCAAGACCAACACGCTGGTGGTGAGGCAGCGCTGC[G>A]GGCGGCCAGGAGGTGGGGTGCTGCTGCGGTATGGGAGCCAGCTTGCTCCTGAAACCTTCT-3'
Protein context (NP_620596.2, residues 1210-1230): TNTLVVRQRC[Gly1220Arg]RPGGGVLLRY